The following is an entry in ClinVar:

NM_007194.4(CHEK2):c.61C>A (p.Pro21Thr)

Gene: CHEK2 (checkpoint kinase 2; minus strand). Cytogenetic location: 22q12.1.
Variant type: single nucleotide variant.
Coding change: c.61C>A on transcript NM_007194.4 (MANE Select); coding-DNA position 61, C replaced by A.
Protein change: p.Pro21Thr; replaces proline 21 with threonine.
Molecular consequence: missense variant.
Genome position (GRCh38, 1-based): chr22:28,734,661, G>T on the plus strand (C>A on the coding strand, the complement: CHEK2 is on the minus strand). VCF-style: chr22-28734661-G-T. GRCh37 (hg19) VCF-style: chr22-29130649-G-T.
Other names: c.61C>A, p.Pro21Thr (NM_001005735.3, NM_001349956.3, NM_145862.3); c.-717C>A (NM_001257387.3); short protein forms P21T.
Identifiers: ClinVar variation 142231 (VCV000142231.29), dbSNP rs587782323, ClinGen allele CA167812.

ClinVar aggregate classification (germline): Conflicting classifications of pathogenicity. Review status: criteria provided, conflicting classifications (1 of 4 stars). 7 submissions from 7 submitters: Uncertain significance (5); Likely benign (1). 1 of the submissions does not count toward it. Last evaluated 2026-05-08.

Conditions:
CHEK2-related disorder.
Hereditary cancer-predisposing syndrome. Also called: Tumor predisposition; Neoplastic Syndromes, Hereditary; Hereditary neoplastic syndrome; Hereditary Cancer Syndrome. Identifiers: Orphanet 140162, MedGen C0027672, MeSH D009386, MONDO:0015356.
Familial cancer of breast. Also called: BREAST CANCER, FAMILIAL; Hereditary breast cancer; hereditary breast carcinoma. Identifiers: Orphanet 227535, MedGen C0346153, MONDO:0016419, OMIM 114480. Disease mechanism: loss of function.

gnomAD v4.1: 4 of 1,613,846 alleles (0.00025%); highest among the groups gnomAD compares: Non-Finnish European, 0.00034%; no homozygotes.

Submissions (7):

PreventionGenetics, part of Exact Sciences
Classification: Uncertain significance for CHEK2-related condition. Last evaluated: 2026-05-08. Review status: criteria provided, single submitter. Criteria: ACMG Guidelines, 2015. Collection method: clinical testing. Allele origin: germline.
Comment: The CHEK2 c.61C>A variant is predicted to result in the amino acid substitution p.Pro21Thr. This variant has been reported in an individual with colorectal cancer (eTable 2, Pearlman et al. 2017. PubMed ID: 27978560). This variant has also been reported in a cohort study about CHEK2 germline missense variants associated with increased breast cancer risk (Table S1, Stolarova et al. 2023. PubMed ID: 37449874). In vivo experimental studies using a yeast based assay suggests this variant is benign (Delimitsou et al. 2019. PubMed ID: 30851065). This variant has not been reported in a large population database, indicating this variant is rare. In ClinVar, this variant has conflicting interpretations of uncertain significance and likely benign (Variation ID: 142231). At this time, the clinical significance of this variant is uncertain due to the absence of conclusive functional and genetic evidence.

Labcorp Genetics (formerly Invitae), Labcorp
Classification: Uncertain significance for Familial cancer of breast. Last evaluated: 2025-12-28. Review status: criteria provided, single submitter. Criteria: Invitae Variant Classification Sherloc (09022015). Collection method: clinical testing. Allele origin: germline.
Comment: This sequence change replaces proline, which is neutral and non-polar, with threonine, which is neutral and polar, at codon 21 of the CHEK2 protein (p.Pro21Thr). This variant is not present in population databases (gnomAD no frequency). This missense change has been observed in individual(s) with colorectal cancer (PMID: 27978560). ClinVar contains an entry for this variant (Variation ID: 142231). An algorithm developed to predict the effect of missense changes on protein structure and function outputs the following: PolyPhen-2: "Benign". The threonine amino acid residue is found in multiple mammalian species, which suggests that this missense change does not adversely affect protein function. RNA analysis performed to evaluate the impact of this missense change on mRNA splicing indicates it does not significantly alter splicing (internal data). In summary, the available evidence is currently insufficient to determine the role of this variant in disease. Therefore, it has been classified as a Variant of Uncertain Significance.

Color Diagnostics, LLC DBA Color Health
Classification: Uncertain significance for Hereditary cancer-predisposing syndrome. Last evaluated: 2025-01-21. Review status: criteria provided, single submitter. Criteria: ACMG Guidelines, 2015. Collection method: clinical testing. Allele origin: germline.
Comment: This missense variant replaces proline with threonine at codon 21 of the CHEK2 protein. Computational prediction suggests that this variant may not impact protein structure and function. Experimental functional studies have reported this variant was functional in a yeast DNA damage response assay (PMID: 30851065) and in vitro autophosphorylation and kinase assays (PMID: 37449874). This variant has been reported in an individual affected with colorectal cancer in the literature (PMID: 27978560). This variant has not been identified in the general population by the Genome Aggregation Database (gnomAD). The available evidence is insufficient to determine the role of this variant in disease conclusively. Therefore, this variant is classified as a Variant of Uncertain Significance.

Ambry Genetics
Classification: Likely benign for Hereditary cancer-predisposing syndrome. Last evaluated: 2024-04-05. Review status: criteria provided, single submitter. Criteria: Ambry Variant Classification Scheme 2023. Collection method: clinical testing. Allele origin: germline.

Myriad Genetics, Inc.
Classification: Uncertain significance for Familial cancer of breast. Last evaluated: 2023-03-09. Review status: criteria provided, single submitter. Criteria: Myriad Autosomal Dominant, Autosomal Recessive and X-Linked Classification Criteria (2023). Collection method: clinical testing. Allele origin: unknown.
Comment: This variant is classified as a variant of uncertain significance as there is insufficient evidence to determine its impact on protein function and/or cancer risk.

GeneDx
Classification: Uncertain significance. Last evaluated: 2022-05-06. Review status: criteria provided, single submitter. Criteria: GeneDx Variant Classification Process June 2021. Collection method: clinical testing. Allele origin: germline. Affected: yes.
Comment: Not observed at significant frequency in large population cohorts (gnomAD); In silico analysis supports that this missense variant has a deleterious effect on protein structure/function; Observed in an individual with colorectal cancer in the published literature (Pearlman 2017); This variant is associated with the following publications: (PMID: 22114986, 11733767, 27978560, 29596542)

Counsyl
Classification: Uncertain significance for Familial cancer of breast. Last evaluated: 2018-03-20. Review status: no assertion criteria provided. Collection method: clinical testing. Allele origin: unknown. Not counted in ClinVar's aggregate classification.

Literature cited by the submitters: PubMed 27978560 (cited by Labcorp Genetics (formerly Invitae), Labcorp and Color Diagnostics, LLC DBA Color Health); PubMed 30851065 (cited by Color Diagnostics, LLC DBA Color Health and Ambry Genetics); PubMed 37449874 (cited by Color Diagnostics, LLC DBA Color Health and Ambry Genetics).